The following is an entry in ClinVar:

NM_001110219.3(GJB6):c.228del (p.Trp77fs)

Gene: GJB6 (gap junction protein beta 6; minus strand). Cytogenetic location: 13q12.11.
Variant type: Deletion.
Coding change: c.228del on transcript NM_001110219.3 (MANE Select); coding-DNA position 228, one base deleted (G; older notation c.228delG).
Protein change: p.Trp77fs; shifts the reading frame from tryptophan 77.
Molecular consequence: frameshift variant.
Genome position (GRCh38, 1-based): chr13:20,223,253, C deleted on the plus strand (G on the coding strand, the reverse complement: GJB6 is on the minus strand). VCF-style (leftmost placement, unchanged base first): chr13-20223252-AC-A. GRCh37 (hg19) VCF-style: chr13-20797391-AC-A.
Other names: c.228delG (NM_001110219.2); c.228del, p.Trp77fs (NM_001110220.3, NM_001110221.3, NM_001370090.1 and 3 more transcripts); short protein forms W77fs.
Identifiers: ClinVar variation 837505 (VCV000837505.14), dbSNP rs751484173, ClinGen allele CA6904488.
Genomic context (GRCh38, chr13:20,223,252, plus strand): 5'-AGGCCACATGCATGGCCACCAGCAGCGCTGGGGTGGAGACGAAGATCAGCTGGAGGGCCC[AC>A]AGCCGGATGTGGGACACCGGGAAAAAGTGGTCATAGCACACATTTTTGCATCCCGGTTGC-3'

ClinVar aggregate classification (germline): Uncertain significance. Review status: criteria provided, multiple submitters, no conflicts (2 of 4 stars). 4 submissions from 4 submitters: Uncertain significance (4). Last evaluated 2025-10-01.

Conditions:
Hidrotic ectodermal dysplasia syndrome (GJB6). Also called: CLOUSTON HIDROTIC ECTODERMAL DYSPLASIA; ECTODERMAL DYSPLASIA 2, CLOUSTON TYPE; Hidrotic ectodermal dysplasia; Ectodermal dysplasia 2, hidrotic; Autosomal dominant hidrotic ectodermal dysplasia; Clouston syndrome. Identifiers: Orphanet 189, MedGen C0162361, MONDO:0007510, OMIM 129500.
Autosomal dominant nonsyndromic hearing loss 3B. Identifiers: Orphanet 90635, MedGen C2675237, MONDO:0012975, OMIM 612643.
Autosomal recessive nonsyndromic hearing loss 1B. Also called: DEAFNESS, AUTOSOMAL RECESSIVE 1B. Identifiers: Orphanet 90636, MedGen C2675235, MONDO:0012977, OMIM 612645.
Autosomal recessive nonsyndromic hearing loss 1A (DFNB1A). Also called: GJB6-Related DFNB 1 Nonsyndromic Hearing Loss and Deafness; Deafness, autosomal recessive 1A; Connexin 26 deafness; Deafness nonsyndromic, Connexin 26 linked; Nonsyndromic Hearing Loss and Deafness, DFNB1; GJB2-Related Autosomal Recessive Nonsyndromic Hearing Loss. Identifiers: Orphanet 90636, MedGen C2673759, MONDO:0009076, OMIM 220290.
GJB6-related disorder. Also called: GJB6-related disorders.

Allele frequency attached by ClinVar (database versions not stated): gnomAD exomes 0.00001 and 0.00011; gnomAD 0.00003; TOPMed 0.00003; ExAC 0.00011.

Submissions (4):

GeneDx
Classification: Uncertain significance. Last evaluated: 2025-10-01. Review status: criteria provided, single submitter. Criteria: GeneDx Variant Classification Process June 2021. Collection method: clinical testing. Allele origin: germline. Affected: yes.
Comment: Observed in a patient with palmoplantar keratosis in published literature (PMID: 25429721); however, this variant did not segregate with disease in additional family members; Observed with a GJB2 variant in a patient with nonsyndromic hearing loss in published literature (PMID: 31992338); Identified in patients autosomal dominant nonsyndromic hearing loss in published literature (PMID: 35062939, 35939872); Frameshift variant predicted to result in protein truncation, as the last 185 amino acids are replaced with four different amino acids, and other loss-of-function variants have been reported downstream in the Human Gene Mutation Database (HGMD); This variant is associated with the following publications: (PMID: 29771057, 38737102, 35939872, 31992338, 25429721, 35062939)

PreventionGenetics, part of Exact Sciences
Classification: Uncertain significance for GJB6-related condition. Last evaluated: 2025-01-10. Review status: criteria provided, single submitter. Criteria: ACMG Guidelines, 2015. Collection method: clinical testing. Allele origin: germline.
Comment: The GJB6 c.228delG variant is predicted to result in a frameshift and premature protein termination (p.Leu76Leufs*6). This variant was reported in an individual with non-syndromic hearing loss (Jin et al. 2022. PubMed ID: 35062939). This variant is reported in 0.14% of alleles in individuals of East Asian descent in gnomAD, which is higher than expected for fully penetrant pathogenic variant in this gene. At this time, the clinical significance of this variant is uncertain due to the absence of conclusive functional and genetic evidence.

Labcorp Genetics (formerly Invitae), Labcorp
Classification: Uncertain significance for Autosomal dominant nonsyndromic hearing loss 3B; Hidrotic ectodermal dysplasia syndrome; Autosomal recessive nonsyndromic hearing loss 1B; Autosomal recessive nonsyndromic hearing loss 1A. Last evaluated: 2024-11-30. Review status: criteria provided, single submitter. Criteria: Invitae Variant Classification Sherloc (09022015). Collection method: clinical testing. Allele origin: germline.
Comment: This sequence change creates a premature translational stop signal (p.Trp77Glyfs*5) in the GJB6 gene. While this is not anticipated to result in nonsense mediated decay, it is expected to disrupt the last 185 amino acid(s) of the GJB6 protein. This variant is present in population databases (rs751484173, gnomAD 0.1%), and has an allele count higher than expected for a pathogenic variant. This premature translational stop signal has been observed in individual(s) with autosomal dominant deafness (PMID: 29771057, 35062939, 35939872). ClinVar contains an entry for this variant (Variation ID: 837505). Experimental studies and prediction algorithms are not available or were not evaluated, and the functional significance of this variant is currently unknown. In summary, the available evidence is currently insufficient to determine the role of this variant in disease. Therefore, it has been classified as a Variant of Uncertain Significance.

Fulgent Genetics
Classification: Uncertain significance for Hidrotic ectodermal dysplasia syndrome; Autosomal recessive nonsyndromic hearing loss 1A; Autosomal dominant nonsyndromic hearing loss 3B; Autosomal recessive nonsyndromic hearing loss 1B. Last evaluated: 2024-04-18. Review status: criteria provided, single submitter. Criteria: ACMG Guidelines, 2015. Collection method: clinical testing. Allele origin: germline.

Literature cited by the submitters: PubMed 29771057 (cited by Labcorp Genetics (formerly Invitae), Labcorp); PubMed 35062939 (cited by Labcorp Genetics (formerly Invitae), Labcorp); PubMed 35939872 (cited by Labcorp Genetics (formerly Invitae), Labcorp).